The following is an entry in ClinVar:

ClinVar aggregate classification (germline): Uncertain significance (1 of 4 stars; one submission).

Conditions:
Early-infantile DEE. Also called: Ohtahara syndrome; Early infantile epileptic encephalopathy with suppression bursts; Early infantile epileptic encephalopathy. Identifiers: Orphanet 1934, MedGen C0393706, MONDO:0800491.

Submission:

Labcorp Genetics (formerly Invitae), Labcorp
Classification: Uncertain significance for Early-infantile DEE. Last evaluated: 2024-10-20. Review status: criteria provided, single submitter. Criteria: Invitae Variant Classification Sherloc (09022015). Collection method: clinical testing. Allele origin: germline.
Comment: This sequence change creates a premature translational stop signal (p.Trp247*) in the KCNH5 gene. It is expected to result in an absent or disrupted protein product. However, the current clinical and genetic evidence is not sufficient to establish whether loss-of-function variants in KCNH5 cause disease. This variant is not present in population databases (gnomAD no frequency). This variant has not been reported in the literature in individuals affected with KCNH5-related conditions. In summary, the available evidence is currently insufficient to determine the role of this variant in disease. Therefore, it has been classified as a Variant of Uncertain Significance.

NM_139318.5(KCNH5):c.741G>A (p.Trp247Ter)

Gene: KCNH5 (potassium voltage-gated channel subfamily H member 5; minus strand). Cytogenetic location: 14q23.2.
Variant type: single nucleotide variant.
Coding change: c.741G>A on transcript NM_139318.5 (MANE Select); coding-DNA position 741, G replaced by A.
Protein change: p.Trp247Ter; replaces tryptophan 247 with a stop codon.
Molecular consequence: nonsense.
Genome position (GRCh38, 1-based): chr14:62,981,073, C>T on the plus strand (G>A on the coding strand, the complement: KCNH5 is on the minus strand). VCF-style: chr14-62981073-C-T. GRCh37 (hg19) VCF-style: chr14-63447791-C-T.
Other names: c.741G>A, p.Trp247Ter (NM_172375.3); short protein forms W247*.
Identifiers: ClinVar variation 3723312 (VCV003723312.2).